The following is an entry in ClinVar:

NM_001363711.2(DUOX2):c.2887C>G (p.Arg963Gly)

Gene: DUOX2 (dual oxidase 2; minus strand). Cytogenetic location: 15q21.1.
Variant type: single nucleotide variant.
Coding change: c.2887C>G on transcript NM_001363711.2 (MANE Select); coding-DNA position 2887, C replaced by G.
Protein change: p.Arg963Gly; replaces arginine 963 with glycine.
Molecular consequence: missense variant.
Genome position (GRCh38, 1-based): chr15:45,101,239, G>C on the plus strand (C>G on the coding strand, the complement: DUOX2 is on the minus strand). VCF-style: chr15-45101239-G-C. GRCh37 (hg19) VCF-style: chr15-45393437-G-C.
Other names: c.2887C>G (NM_014080.4); c.2887C>G, p.Arg963Gly (NM_014080.5); short protein forms R963G.
Identifiers: ClinVar variation 1988959 (VCV001988959.5), dbSNP rs199783724, ClinGen allele CA392265301.

ClinVar aggregate classification (germline): Uncertain significance. Review status: criteria provided, multiple submitters, no conflicts (2 of 4 stars). 2 submissions from 2 submitters: Uncertain significance (2). Last evaluated 2023-12-12.

Submissions (2):

GeneDx
Classification: Uncertain significance. Last evaluated: 2023-12-12. Review status: criteria provided, single submitter. Criteria: GeneDx Variant Classification Process June 2021. Collection method: clinical testing. Allele origin: germline. Affected: yes.
Comment: Not observed at significant frequency in large population cohorts (gnomAD); In silico analysis supports that this missense variant has a deleterious effect on protein structure/function; Has not been previously published as pathogenic or benign to our knowledge

Labcorp Genetics (formerly Invitae), Labcorp
Classification: Uncertain significance. Last evaluated: 2022-09-28. Review status: criteria provided, single submitter. Criteria: Invitae Variant Classification Sherloc (09022015). Collection method: clinical testing. Allele origin: germline.
Comment: This sequence change replaces arginine, which is basic and polar, with glycine, which is neutral and non-polar, at codon 963 of the DUOX2 protein (p.Arg963Gly). This variant is not present in population databases (gnomAD no frequency). This variant has not been reported in the literature in individuals affected with DUOX2-related conditions. Advanced modeling of protein sequence and biophysical properties (such as structural, functional, and spatial information, amino acid conservation, physicochemical variation, residue mobility, and thermodynamic stability) performed at Invitae indicates that this missense variant is not expected to disrupt DUOX2 protein function. In summary, the available evidence is currently insufficient to determine the role of this variant in disease. Therefore, it has been classified as a Variant of Uncertain Significance.